The following is an entry in ClinVar:

NM_001330588.2(TPP2):c.2393+5C>G

Gene: TPP2 (tripeptidyl peptidase 2; plus strand). Cytogenetic location: 13q33.1.
Variant type: single nucleotide variant.
Coding change: c.2393+5C>G on transcript NM_001330588.2 (MANE Select); 5 bases into the intron after coding-DNA position 2393, C replaced by G.
Molecular consequence: intron variant.
Genome position (GRCh38, 1-based): chr13:102,645,014, C>G. VCF-style: chr13-102645014-C-G. GRCh37 (hg19) VCF-style: chr13-103297364-C-G.
Other names: c.2393+5C>G (NM_001367947.1, NM_003291.4).
Identifiers: ClinVar variation 2022901 (VCV002022901.4), dbSNP rs1314296556, ClinGen allele CA694360476.
Genomic context (GRCh38, chr13:102,645,014, plus strand): 5'-AAATACGAAGATCTGGCTCCCTGCATAACTTTGAAGAACTGGGTCCAAACACTGCGGTAT[C>G]ATTCAATGTTTTAGGAACTACAGATATTGAATATAGATTGGGGGGATCTCTTACACTCTT-3'

ClinVar aggregate classification (germline): Uncertain significance (1 of 4 stars; one submission).

Conditions:
Evans syndrome, immunodeficiency, and premature immunosenescence associated with tripeptidyl-peptidase II deficiency. Identifiers: MedGen CN231723. Disease mechanism: loss of function.

Allele frequency attached by ClinVar (database versions not stated): TOPMed below 0.00001.

Submission:

Labcorp Genetics (formerly Invitae), Labcorp
Classification: Uncertain significance for Evans syndrome, immunodeficiency, and premature immunosenescence associated with tripeptidyl-peptidase II deficiency. Last evaluated: 2024-11-04. Review status: criteria provided, single submitter. Criteria: Invitae Variant Classification Sherloc (09022015). Collection method: clinical testing. Allele origin: germline.
Comment: This sequence change falls in intron 19 of the TPP2 gene. It does not directly change the encoded amino acid sequence of the TPP2 protein. It affects a nucleotide within the consensus splice site. This variant is not present in population databases (gnomAD no frequency). This variant has not been reported in the literature in individuals affected with TPP2-related conditions. ClinVar contains an entry for this variant (Variation ID: 2022901). Variants that disrupt the consensus splice site are a relatively common cause of aberrant splicing (PMID: 17576681, 9536098). Algorithms developed to predict the effect of sequence changes on RNA splicing suggest that this variant is not likely to affect RNA splicing. In summary, the available evidence is currently insufficient to determine the role of this variant in disease. Therefore, it has been classified as a Variant of Uncertain Significance.

Literature cited by the submitters: PubMed 17576681; PubMed 9536098.